The following is an entry in ClinVar:

ClinVar aggregate classification (germline): Uncertain significance (0 of 4 stars; one submission).

Conditions:
SIM1-related disorder. Also called: SIM1-related condition; SIM1-related disorders.

gnomAD v4.1: 2 of 1,614,170 alleles (0.00012%); highest among the groups gnomAD compares: East Asian, 0.0022%; no homozygotes.

Submission:

PreventionGenetics, part of Exact Sciences
Classification: Uncertain significance for SIM1-related condition. Last evaluated: 2024-03-28. Review status: no assertion criteria provided. Collection method: clinical testing. Allele origin: germline.
Comment: The SIM1 c.1127C>T variant is predicted to result in the amino acid substitution p.Ser376Phe. To our knowledge, this variant has not been reported in the literature or in a large population database, indicating this variant is rare. At this time, the clinical significance of this variant is uncertain due to the absence of conclusive functional and genetic evidence.

NM_005068.3(SIM1):c.1127C>T (p.Ser376Phe)

Genes: SIM1 (SIM bHLH transcription factor 1; minus strand), SIM1-AS1 (SIM1 antisense RNA 1; plus strand). Cytogenetic location: 6q16.3.
Variant type: single nucleotide variant.
Coding change: c.1127C>T on transcript NM_005068.3 (MANE Select); coding-DNA position 1127, C replaced by T.
Protein change: p.Ser376Phe; replaces serine 376 with phenylalanine.
Molecular consequence: missense variant.
Genome position (GRCh38, 1-based): chr6:100,420,830, G>A on the plus strand (C>T on the coding strand, the complement: SIM1 is on the minus strand). VCF-style: chr6-100420830-G-A. GRCh37 (hg19) VCF-style: chr6-100868706-G-A.
Other names: c.1127C>T, p.Ser376Phe (NM_001374769.1); short protein forms S376F.
Identifiers: ClinVar variation 3346383 (VCV003346383.1).
Genomic context (GRCh38, chr6:100,420,830, plus strand): 5'-CAAAACAGCAATGCACTTACCTGAGGGTATGGGGAAGTCCTGGATTTTGACTTTGAGCTG[G>A]AGAGCCGGGATTTGGCCCCCTTTCTGTTGTCAGTCATGGTGGGGGTGGAGCTGCTGGTAT-3'
Protein context (NP_005059.2, residues 366-386): DNRKGAKSRL[Ser376Phe]SSKSKSRTSP